The following is an entry in ClinVar:

ClinVar aggregate classification (germline): Pathogenic (1 of 4 stars; one submission).

Conditions:
Oligodontia-cancer predisposition syndrome. Also called: TOOTH AGENESIS-COLORECTAL CANCER SYNDROME. Identifiers: Orphanet 300576, MedGen C1837750, MONDO:0012075, OMIM 608615. Disease mechanism: loss of function.

Submission:

Labcorp Genetics (formerly Invitae), Labcorp
Classification: Pathogenic for Oligodontia-cancer predisposition syndrome. Last evaluated: 2025-08-07. Review status: criteria provided, single submitter. Criteria: Invitae Variant Classification Sherloc (09022015). Collection method: clinical testing. Allele origin: germline.
Comment: This sequence change creates a premature translational stop signal (p.Glu66*) in the AXIN2 gene. It is expected to result in an absent or disrupted protein product. Loss-of-function variants in AXIN2 are known to be pathogenic (PMID: 15042511, 21416598). This variant is not present in population databases (gnomAD no frequency). This variant has not been reported in the literature in individuals affected with AXIN2-related conditions. ClinVar contains an entry for this variant (Variation ID: 2012058). For these reasons, this variant has been classified as Pathogenic.

Literature cited by the submitters: PubMed 15042511; PubMed 21416598.

NM_004655.4(AXIN2):c.196G>T (p.Glu66Ter)

Gene: AXIN2 (axin 2; minus strand). Cytogenetic location: 17q24.1.
Variant type: single nucleotide variant.
Coding change: c.196G>T on transcript NM_004655.4 (MANE Select); coding-DNA position 196, G replaced by T.
Protein change: p.Glu66Ter; replaces glutamic acid 66 with a stop codon.
Molecular consequence: nonsense.
Genome position (GRCh38, 1-based): chr17:65,558,425, C>A on the plus strand (G>T on the coding strand, the complement: AXIN2 is on the minus strand). VCF-style: chr17-65558425-C-A. GRCh37 (hg19) VCF-style: chr17-63554543-C-A.
Other names: c.196G>T, p.Glu66Ter (NM_001363813.1); short protein forms E66*.
Identifiers: ClinVar variation 2012058 (VCV002012058.4), dbSNP rs2144589822, ClinGen allele CA400681918.